The following is an entry in ClinVar:

ClinVar aggregate classification (germline): Benign (1 of 4 stars; one submission).

Allele frequency attached by ClinVar (database versions not stated): 1000 Genomes Project 0.14577; 1000 Genomes Project 30x 0.14741; TOPMed 0.21492; gnomAD 0.23591 and 0.23874.
gnomAD v4.1: 36,026 of 152,060 alleles (24%); highest among the groups gnomAD compares: Non-Finnish European, 33%; 5,448 homozygotes.

Submission:

GeneDx
Classification: Benign. Last evaluated: 2018-06-18. Review status: criteria provided, single submitter. Criteria: GeneDx Variant Classification (06012015). Collection method: clinical testing. Allele origin: germline. Affected: yes.
Comment: This variant is considered likely benign or benign based on one or more of the following criteria: it is a conservative change, it occurs at a poorly conserved position in the protein, it is predicted to be benign by multiple in silico algorithms, and/or has population frequency not consistent with disease.

NM_007327.4(GRIN1):c.968+274A>G

Gene: GRIN1 (glutamate ionotropic receptor NMDA type subunit 1; plus strand). Cytogenetic location: 9q34.3.
Variant type: single nucleotide variant.
Coding change: c.968+274A>G on transcript NM_007327.4 (MANE Select); 274 bases into the intron after coding-DNA position 968, A replaced by G.
Molecular consequence: intron variant.
Genome position (GRCh38, 1-based): chr9:137,157,311, A>G. VCF-style: chr9-137157311-A-G. GRCh37 (hg19) VCF-style: chr9-140051763-A-G.
Other names: c.1031+274A>G (NM_001185090.2, NM_001185091.2); c.968+274A>G (NM_021569.4, NM_000832.7).
Identifiers: ClinVar variation 668918 (VCV000668918.1), dbSNP rs73571550, ClinGen allele CA13062358.
Genomic context (GRCh38, chr9:137,157,311, plus strand): 5'-GGTCGCTTCCAGGAGGTGGGCGGCGTCGCTCTCAGGGGTACTGCAGTGGAGCCTGCTGCC[A>G]ACATCCTCTGGACACTGTTACTTCTCTCCTCTCCCCCCACACCCCCAGCACCACCACATC-3'